The following is an entry in ClinVar:

ClinVar aggregate classification (germline): Pathogenic/Likely pathogenic. Review status: criteria provided, multiple submitters, no conflicts (2 of 4 stars). 7 submissions from 7 submitters: Pathogenic (5); Likely pathogenic (2). Last evaluated 2024-08-19.

Conditions:
Hermansky-Pudlak syndrome (HPS). Also called: ALBINISM WITH HEMORRHAGIC DIATHESIS AND PIGMENTED RETICULOENDOTHELIAL CELLS. Identifiers: Orphanet 79430, MedGen C0079504, MONDO:0019312.
Hermansky-Pudlak syndrome 1 (HPS1). Also called: DELTA STORAGE POOL DISEASE. Identifiers: Orphanet 231500, Orphanet 79430, MedGen C2931875, MONDO:0008748, OMIM 203300.

Allele frequency attached by ClinVar (database versions not stated): gnomAD exomes below 0.00001 and 0.00002; TOPMed below 0.00001.
gnomAD v4.1: 4 of 1,613,900 alleles (0.00025%); highest among the groups gnomAD compares: Admixed American, 0.005%; no homozygotes.

Submissions (7):

Dasa
Classification: Pathogenic. Last evaluated: 2024-08-19. Review status: criteria provided, single submitter. Criteria: DASA Assertion Criteria. Collection method: clinical testing. Allele origin: germline.
Comment: NM_000195.5(HPS1):c.398+2T>C introduces a premature termination codon predicted to result in loss of normal protein function. Loss-of-function is an established mechanism of disease for this gene. This variant has been reported in individuals with related phenotype. This variant has been observed in affected individuals with related phenotype in a genotype context consistent with recessive disease. The variant is present at low frequency in population datasets. Based on the available data, this variant is classified as pathogenic.

Natera, Inc.
Classification: Pathogenic for Hermansky-Pudlak syndrome. Last evaluated: 2024-08-15. Review status: criteria provided, single submitter. Criteria: Natera Variant Classification Schema (03/2026). Collection method: clinical testing. Allele origin: germline.
Comment: The c.398+2T>C variant in HPS1 is a canonical splice donor site variant predicted to affect pre-mRNA splicing, which may result in an abnormal transcript and altered protein product. This variant is expected to result in nonsense mediated decay, truncation, or a dysfunctional protein product. This variant is rare in the general population with a frequency below the threshold expected for the associated phenotype(s). This variant has been observed in one or more individuals affected with the associated recessive disease, as either homozygous or compound heterozygous with a second variant (PMID: 31898847). Additionally, this variant has been observed to segregate in affected family members (PMID: 31898847). Given the available evidence, this variant is classified as Pathogenic.

Johns Hopkins Genomics, Johns Hopkins University
Classification: Pathogenic for Hermansky-Pudlak syndrome 1. Last evaluated: 2024-08-01. Review status: criteria provided, single submitter. Criteria: ACMG Guidelines, 2015. Collection method: clinical testing. Allele origin: germline.
Comment: PVS, PM2, PM3, PP5

ARUP Laboratories, Molecular Genetics and Genomics, ARUP Laboratories
Classification: Pathogenic for Hermansky-Pudlak syndrome 1. Last evaluated: 2024-07-26. Review status: criteria provided, single submitter. Criteria: ARUP Molecular Germline Variant Investigation Process 2024. Collection method: clinical testing. Allele origin: germline.
Comment: The HPS1 c.398+2T>C variant (rs1486224265, ClinVar Variation ID: 449037) is reported compound heterozygous in the literature in an individual affected with Hermansky-Pudlak syndrome (Huizing 2020). This variant is only observed on four alleles in the Genome Aggregation Database (v2.1.1), indicating it is not a common polymorphism. This variant disrupts the canonical splice donor site of intron five, which is likely to negatively impact gene function. Based on available information, this variant is considered to be pathogenic. References: Huizing M et al. Hermansky-Pudlak syndrome: Mutation update. Hum Mutat. 2020 Mar;41(3):543-580. PMID: 31898847.

Labcorp Genetics (formerly Invitae), Labcorp
Classification: Likely pathogenic. Last evaluated: 2023-11-17. Review status: criteria provided, single submitter. Criteria: Invitae Variant Classification Sherloc (09022015). Collection method: clinical testing. Allele origin: germline.
Comment: This sequence change affects a donor splice site in intron 5 of the HPS1 gene. It is expected to disrupt RNA splicing. Variants that disrupt the donor or acceptor splice site typically lead to a loss of protein function (PMID: 16199547), and loss-of-function variants in HPS1 are known to be pathogenic (PMID: 12442288, 16185271). This variant is present in population databases (no rsID available, gnomAD 0.01%). Disruption of this splice site has been observed in individual(s) with Hermansky-Pudlak syndrome (PMID: 31898847). ClinVar contains an entry for this variant (Variation ID: 449037). Algorithms developed to predict the effect of sequence changes on RNA splicing suggest that this variant may disrupt the consensus splice site. In summary, the currently available evidence indicates that the variant is pathogenic, but additional data are needed to prove that conclusively. Therefore, this variant has been classified as Likely Pathogenic.

Broad Center for Mendelian Genomics, Broad Institute of MIT and Harvard
Classification: Likely pathogenic for Hermansky-Pudlak syndrome. Last evaluated: 2021-12-10. Review status: criteria provided, single submitter. Criteria: ACMG Guidelines, 2015. Collection method: curation. Allele origin: germline. Inheritance: Autosomal recessive inheritance.
Comment: The c.398+2T>C variant in HPS1 has been reported in 1 individual, in the compound heterozygous state, with Hermansky-Pudlak syndrome (PMID: 31898847), segregated with disease in 1 affected relative from 1 family (PMID: 31898847), and has been identified in 0.01% (4/34584) of Latino/Admixed American chromosomes by the Genome Aggregation Database (gnomAD; dbSNP ID: rs1486224265). Although this variant has been seen in the general population in a heterozygous state, its frequency is not high enough to rule out a pathogenic role. This variant has also been reported in ClinVar (Variation ID#: 6449037) and has been interpreted as pathogenic by GeneDx. This variant is located in the 3' splice region. Computational tools predict a splicing impact, though this information is not predictive enough to determine pathogenicity. Loss of function of the HPS1 gene is an established disease mechanism in autosomal recessive Hermansky-Pudlak syndrome. In summary, although additional studies are required to fully establish its clinical significance, this variant is likely pathogenic for autosomal recessive Hermansky-Pudlak syndrome. ACMG/AMP Criteria applied: PVS1, PM2 (Richards 2015).

GeneDx
Classification: Pathogenic. Last evaluated: 2017-03-10. Review status: criteria provided, single submitter. Criteria: GeneDx Variant Classification (06012015). Collection method: clinical testing. Allele origin: germline. Affected: yes.
Comment: The c.398+2T>C variant in the HPS1 gene has not been reported previously as a pathogenic variant nor as a benign variant, to our knowledge. This splice site variant destroys the canonical splice donor site in intron 5. It is predicted to cause abnormal gene splicing, either leading to an abnormal message that is subject to nonsense-mediated mRNA decay, or to an abnormal protein product if the message is used for protein translation. The c.398+2T>C variant is not observed in large population cohorts (Lek et al., 2016; 1000 Genomes Consortium et al., 2015; Exome Variant Server). We interpret c.398+2T>C as a pathogenic variant.

Literature cited by the submitters: PubMed 31898847 (cited by 3 submitters); PubMed 16199547 (cited by Labcorp Genetics (formerly Invitae), Labcorp); PubMed 12442288 (cited by Labcorp Genetics (formerly Invitae), Labcorp); PubMed 16185271 (cited by Labcorp Genetics (formerly Invitae), Labcorp).

NM_000195.5(HPS1):c.398+2T>C

Gene: HPS1 (HPS1 biogenesis of lysosomal organelles complex 3 subunit 1; minus strand). Cytogenetic location: 10q24.2.
Variant type: single nucleotide variant.
Coding change: c.398+2T>C on transcript NM_000195.5 (MANE Select); the canonical splice donor site of the intron after coding-DNA position 398, T replaced by C.
Molecular consequence: splice donor variant. On other transcripts: intron variant (7).
Genome position (GRCh38, 1-based): chr10:98,435,270, A>G on the plus strand (T>C on the coding strand, the complement: HPS1 is on the minus strand). VCF-style: chr10-98435270-A-G. GRCh37 (hg19) VCF-style: chr10-100195027-A-G.
Other names: c.398+2T>C (NM_001322490.2, NM_001322478.2, NM_001322476.2 and 6 more transcripts); c.29+365T>C (NM_001322483.2, NM_001322485.2, NM_001322484.2); c.255+365T>C (NM_001322480.2, NM_001322482.2, NM_001322481.2); c.-519+365T>C (NM_001322489.2); c.-519+2T>C (NM_001311345.2); c.-618+2T>C (NM_001322487.2).
Identifiers: ClinVar variation 449037 (VCV000449037.18), dbSNP rs1486224265, ClinGen allele CA378054141.